The following is an entry in ClinVar:

ClinVar aggregate classification (germline): Uncertain significance. Review status: criteria provided, multiple submitters, no conflicts (2 of 4 stars). 4 submissions from 4 submitters: Uncertain significance (4). Last evaluated 2025-10-14.

Conditions:
Hereditary cancer-predisposing syndrome. Also called: Neoplastic Syndromes, Hereditary; Hereditary Cancer Syndrome; Hereditary neoplastic syndrome; Tumor predisposition. Identifiers: Orphanet 140162, MedGen C0027672, MeSH D009386, MONDO:0015356.
Ataxia-telangiectasia syndrome (AT). Also called: ATAXIA-TELANGIECTASIA, COMPLEMENTATION GROUP A; ATAXIA-TELANGIECTASIA, FRESNO VARIANT; Ataxia-telangiectasia, complementation group E; Ataxia telangiectasia (A-T); LOUIS-BAR SYNDROME; Cerebello-oculocutaneous telangiectasia. Identifiers: Orphanet 100, MedGen C0004135, MONDO:0008840, OMIM 208900.
Familial cancer of breast. Also called: hereditary breast carcinoma; BREAST CANCER, FAMILIAL; Hereditary breast cancer. Identifiers: Orphanet 227535, MedGen C0346153, MONDO:0016419, OMIM 114480. Disease mechanism: loss of function.

Allele frequency attached by ClinVar (database versions not stated): gnomAD exomes 0.00001.
gnomAD v4.1: 7 of 1,613,922 alleles (0.00043%); highest among the groups gnomAD compares: Non-Finnish European, 0.00059%; no homozygotes.

Submissions (4):

Color Diagnostics, LLC DBA Color Health
Classification: Uncertain significance for Hereditary cancer-predisposing syndrome. Last evaluated: 2025-10-14. Review status: criteria provided, single submitter. Criteria: ACMG Guidelines, 2015. Collection method: clinical testing. Allele origin: germline.
Comment: This missense variant replaces phenylalanine with serine at codon 212 of the ATM protein. Computational prediction suggests that this variant may not impact protein structure and function. To our knowledge, functional studies have not been reported for this variant. This variant has been reported in individuals affected with breast cancer (PMID: 35585550). This variant has been identified in 7/1461576 chromosomes in the general population by the Genome Aggregation Database (gnomAD). The available evidence is insufficient to determine the role of this variant in disease conclusively. Therefore, this variant is classified as a Variant of Uncertain Significance.

Ambry Genetics
Classification: Uncertain significance for Hereditary cancer-predisposing syndrome. Last evaluated: 2024-12-09. Review status: criteria provided, single submitter. Criteria: Ambry Variant Classification Scheme 2023. Collection method: clinical testing. Allele origin: germline.
Comment: The p.F212S variant (also known as c.635T>C), located in coding exon 5 of the ATM gene, results from a T to C substitution at nucleotide position 635. The phenylalanine at codon 212 is replaced by serine, an amino acid with highly dissimilar properties. This amino acid position is not well conserved in available vertebrate species. In addition, this alteration is predicted to be tolerated by in silico analysis. Based on the available evidence, the clinical significance of this variant remains unclear.

Baylor Genetics
Classification: Uncertain significance for Familial cancer of breast. Last evaluated: 2023-07-19. Review status: criteria provided, single submitter. Criteria: ACMG Guidelines, 2015. Collection method: clinical testing. Allele origin: unknown.

Labcorp Genetics (formerly Invitae), Labcorp
Classification: Uncertain significance for Ataxia-telangiectasia syndrome. Last evaluated: 2022-12-02. Review status: criteria provided, single submitter. Criteria: Invitae Variant Classification Sherloc (09022015). Collection method: clinical testing. Allele origin: germline.
Comment: In summary, the available evidence is currently insufficient to determine the role of this variant in disease. Therefore, it has been classified as a Variant of Uncertain Significance. Algorithms developed to predict the effect of missense changes on protein structure and function output the following: SIFT: "Deleterious"; PolyPhen-2: "Benign"; Align-GVGD: "Class C55". The serine amino acid residue is found in multiple mammalian species, which suggests that this missense change does not adversely affect protein function. ClinVar contains an entry for this variant (Variation ID: 826349). This variant has not been reported in the literature in individuals affected with ATM-related conditions. This variant is not present in population databases (gnomAD no frequency). This sequence change replaces phenylalanine, which is neutral and non-polar, with serine, which is neutral and polar, at codon 212 of the ATM protein (p.Phe212Ser).

Literature cited by the submitters: PubMed 35585550 (cited by Color Diagnostics, LLC DBA Color Health).

NM_000051.4(ATM):c.635T>C (p.Phe212Ser)

Gene: ATM (ATM serine/threonine kinase; plus strand). Cytogenetic location: 11q22.3.
Variant type: single nucleotide variant.
Coding change: c.635T>C on transcript NM_000051.4 (MANE Select); coding-DNA position 635, T replaced by C.
Protein change: p.Phe212Ser; replaces phenylalanine 212 with serine.
Molecular consequence: missense variant.
Genome position (GRCh38, 1-based): chr11:108,244,091, T>C. VCF-style: chr11-108244091-T-C. GRCh37 (hg19) VCF-style: chr11-108114818-T-C.
Other names: c.635T>C, p.Phe212Ser (NM_001351834.2); short protein forms F212S.
Identifiers: ClinVar variation 826349 (VCV000826349.11), dbSNP rs1591500544, ClinGen allele CA382528405.